The following is an entry in ClinVar:

NM_025179.4(PLXNA2):c.4177G>A (p.Gly1393Ser)

Gene: PLXNA2 (plexin A2; minus strand). Cytogenetic location: 1q32.2.
Variant type: single nucleotide variant.
Coding change: c.4177G>A on transcript NM_025179.4 (MANE Select); coding-DNA position 4177, G replaced by A.
Protein change: p.Gly1393Ser; replaces glycine 1393 with serine.
Molecular consequence: missense variant.
Genome position (GRCh38, 1-based): chr1:208,042,207, C>T on the plus strand (G>A on the coding strand, the complement: PLXNA2 is on the minus strand). VCF-style: chr1-208042207-C-T. GRCh37 (hg19) VCF-style: chr1-208215552-C-T.
Other names: short protein forms G1393S.
Identifiers: ClinVar variation 3307900 (VCV003307900.2).

ClinVar aggregate classification (germline): Uncertain significance. Review status: criteria provided, single submitter (1 of 4 stars). 2 submissions from 2 submitters: Uncertain significance (1). 1 of the submissions does not count toward it. Last evaluated 2024-05-07.

Conditions:
PLXNA2-related disorder. Also called: PLXNA2-related condition.

gnomAD v4.1: 15 of 1,614,202 alleles (0.00093%); highest among the groups gnomAD compares: South Asian, 0.0044%; 1 homozygote.

Submissions (2):

Ambry Genetics
Classification: Uncertain significance. Last evaluated: 2024-05-07. Review status: criteria provided, single submitter. Criteria: Ambry Variant Classification Scheme 2023. Collection method: clinical testing. Allele origin: germline.

PreventionGenetics, part of Exact Sciences
Classification: Uncertain significance for PLXNA2-related condition. Last evaluated: 2024-08-28. Review status: no assertion criteria provided. Collection method: clinical testing. Allele origin: germline. Not counted in ClinVar's aggregate classification.
Comment: The PLXNA2 c.4177G>A variant is predicted to result in the amino acid substitution p.Gly1393Ser. To our knowledge, this variant has not been reported in the literature. This variant is reported in 0.0065% of alleles in individuals of South Asian descent in gnomAD. At this time, the clinical significance of this variant is uncertain due to the absence of conclusive functional and genetic evidence.